The following is an entry in ClinVar:

ClinVar aggregate classification (germline): Uncertain significance (1 of 4 stars; one submission).

Submission:

Labcorp Genetics (formerly Invitae), Labcorp
Classification: Uncertain significance. Last evaluated: 2022-06-03. Review status: criteria provided, single submitter. Criteria: Invitae Variant Classification Sherloc (09022015). Collection method: clinical testing. Allele origin: germline.
Comment: This sequence change replaces lysine, which is basic and polar, with asparagine, which is neutral and polar, at codon 363 of the SI protein (p.Lys363Asn). In summary, the available evidence is currently insufficient to determine the role of this variant in disease. Therefore, it has been classified as a Variant of Uncertain Significance. Advanced modeling of protein sequence and biophysical properties (such as structural, functional, and spatial information, amino acid conservation, physicochemical variation, residue mobility, and thermodynamic stability) performed at Invitae indicates that this missense variant is not expected to disrupt SI protein function. ClinVar contains an entry for this variant (Variation ID: 1480488). This variant has not been reported in the literature in individuals affected with SI-related conditions. This variant is not present in population databases (gnomAD no frequency).

NM_001041.4(SI):c.1089G>T (p.Lys363Asn)

Gene: SI (sucrase-isomaltase; minus strand). Cytogenetic location: 3q26.1.
Variant type: single nucleotide variant.
Coding change: c.1089G>T on transcript NM_001041.4 (MANE Select); coding-DNA position 1089, G replaced by T.
Protein change: p.Lys363Asn; replaces lysine 363 with asparagine.
Molecular consequence: missense variant.
Genome position (GRCh38, 1-based): chr3:165,059,959, C>A on the plus strand (G>T on the coding strand, the complement: SI is on the minus strand). VCF-style: chr3-165059959-C-A. GRCh37 (hg19) VCF-style: chr3-164777747-C-A.
Other names: short protein forms K363N.
Identifiers: ClinVar variation 1480488 (VCV001480488.6), dbSNP rs778412409, ClinGen allele CA355030315.